The following is an entry in ClinVar:

ClinVar aggregate classification (germline): Uncertain significance (1 of 4 stars; one submission).

Conditions:
Hereditary cancer-predisposing syndrome. Also called: Neoplastic Syndromes, Hereditary; Tumor predisposition; Hereditary neoplastic syndrome; Hereditary Cancer Syndrome. Identifiers: Orphanet 140162, MedGen C0027672, MeSH D009386, MONDO:0015356.

Submission:

Ambry Genetics
Classification: Uncertain significance for Hereditary cancer-predisposing syndrome. Last evaluated: 2026-07-07. Review status: criteria provided, single submitter. Criteria: Ambry Variant Classification Scheme 2023. Collection method: clinical testing. Allele origin: germline.
Comment: The p.H159P variant (also known as c.476A>C), located in coding exon 1 of the MET gene, results from an A to C substitution at nucleotide position 476. The histidine at codon 159 is replaced by proline, an amino acid with similar properties. This amino acid position is conserved. In addition, this alteration is predicted to be tolerated by in silico analysis. Based on the available evidence, the clinical significance of this variant remains unclear.

NM_000245.4(MET):c.476A>C (p.His159Pro)

Gene: MET (MET proto-oncogene, receptor tyrosine kinase; plus strand). Cytogenetic location: 7q31.2.
Variant type: single nucleotide variant.
Coding change: c.476A>C on transcript NM_000245.4 (MANE Select); coding-DNA position 476, A replaced by C.
Protein change: p.His159Pro; replaces histidine 159 with proline.
Molecular consequence: missense variant. On other transcripts: intron variant (1).
Genome position (GRCh38, 1-based): chr7:116,699,560, A>C. VCF-style: chr7-116699560-A-C. GRCh37 (hg19) VCF-style: chr7-116339614-A-C.
Other names: c.476A>C, p.His159Pro (NM_001324401.3, NM_001127500.3); c.-91+26983A>C (NM_001324402.2); short protein forms H159P.
Identifiers: ClinVar variation 5024383 (VCV005024383.1).